The following is an entry in ClinVar:

ClinVar aggregate classification (germline): Uncertain significance (1 of 4 stars; one submission).

Conditions:
Hereditary cancer-predisposing syndrome. Also called: Hereditary neoplastic syndrome; Neoplastic Syndromes, Hereditary; Tumor predisposition; Hereditary Cancer Syndrome. Identifiers: Orphanet 140162, MedGen C0027672, MeSH D009386, MONDO:0015356.

Allele frequency attached by ClinVar (database versions not stated): gnomAD exomes below 0.00001.
gnomAD v4.1: 1 of 1,614,210 alleles (0.000062%); highest among the groups gnomAD compares: Non-Finnish European, 0.000085%; no homozygotes.

Submission:

Labcorp Genetics (formerly Invitae), Labcorp
Classification: Uncertain significance for Hereditary cancer-predisposing syndrome. Last evaluated: 2019-06-29. Review status: criteria provided, single submitter. Criteria: Invitae Variant Classification Sherloc (09022015). Collection method: clinical testing. Allele origin: germline.
Comment: In summary, the available evidence is currently insufficient to determine the role of this variant in disease. Therefore, it has been classified as a Variant of Uncertain Significance. This sequence change replaces glycine with valine at codon 1199 of the RAD50 protein (p.Gly1199Val). The glycine residue is highly conserved and there is a moderate physicochemical difference between glycine and valine. This variant is not present in population databases (ExAC no frequency). This variant has not been reported in the literature in individuals with RAD50-related conditions. Algorithms developed to predict the effect of missense changes on protein structure and function are either unavailable or do not agree on the potential impact of this missense change (SIFT: "Deleterious"; PolyPhen-2: "Probably Damaging"; Align-GVGD: "Class C0"). Algorithms developed to predict the effect of sequence changes on RNA splicing suggest that this variant may create or strengthen a splice site, but this prediction has not been confirmed by published transcriptional studies.

NM_005732.4(RAD50):c.3596G>T (p.Gly1199Val)

Genes: TH2LCRR (T helper type 2 locus control region associated RNA; minus strand), TH2-LCR (Th2 cytokine locus control region; plus strand), RAD50 (RAD50 double strand break repair protein; plus strand). Cytogenetic location: 5q31.1.
Variant type: single nucleotide variant.
Coding change: c.3596G>T on transcript NM_005732.4 (MANE Select); coding-DNA position 3596, G replaced by T.
Protein change: p.Gly1199Val; replaces glycine 1199 with valine.
Molecular consequence: missense variant. On other transcripts: non-coding transcript variant (3).
Genome position (GRCh38, 1-based): chr5:132,638,201, G>T. VCF-style: chr5-132638201-G-T. GRCh37 (hg19) VCF-style: chr5-131973893-G-T.
Other names: short protein forms G1199V.
Identifiers: ClinVar variation 941082 (VCV000941082.10), dbSNP rs1751634515, ClinGen allele CA360932331.